The following is an entry in ClinVar:

NM_001040436.3(YARS2):c.143T>G (p.Phe48Cys)

Gene: YARS2 (tyrosyl-tRNA synthetase 2; minus strand). Cytogenetic location: 12p11.21.
Variant type: single nucleotide variant.
Coding change: c.143T>G on transcript NM_001040436.3 (MANE Select); coding-DNA position 143, T replaced by G.
Protein change: p.Phe48Cys; replaces phenylalanine 48 with cysteine.
Molecular consequence: missense variant.
Genome position (GRCh38, 1-based): chr12:32,755,732, A>C on the plus strand (T>G on the coding strand, the complement: YARS2 is on the minus strand). VCF-style: chr12-32755732-A-C. GRCh37 (hg19) VCF-style: chr12-32908666-A-C.
Other names: short protein forms F48C.
Identifiers: ClinVar variation 2045308 (VCV002045308.2), dbSNP rs1338620533, ClinGen allele CA384374507.
Genomic context (GRCh38, chr12:32,755,732, plus strand): 5'-CCACGGTCGAAGAGCTCTGGGAGCTCTATTTTCGTCCCCGTCTCCGGGAAGAAGTCCTTG[A>C]ACAGACCTCGAGCCTTCTGCGCTGCCAGTAACCCCTGAGCGCCCGAGTGGGCCTTACGCA-3'
Protein context (NP_001035526.1, residues 38-58): LLAAQKARGL[Phe48Cys]KDFFPETGTK

ClinVar aggregate classification (germline): Uncertain significance (1 of 4 stars; one submission).

Allele frequency attached by ClinVar (database versions not stated): TOPMed below 0.00001; gnomAD 0.00001; gnomAD exomes 0.00001.
gnomAD v4.1: 6 of 1,614,026 alleles (0.00037%); highest among the groups gnomAD compares: Non-Finnish European, 0.00051%; no homozygotes.

Submission:

Labcorp Genetics (formerly Invitae), Labcorp
Classification: Uncertain significance. Last evaluated: 2022-03-13. Review status: criteria provided, single submitter. Criteria: Invitae Variant Classification Sherloc (09022015). Collection method: clinical testing. Allele origin: germline.
Comment: In summary, the available evidence is currently insufficient to determine the role of this variant in disease. Therefore, it has been classified as a Variant of Uncertain Significance. Advanced modeling of protein sequence and biophysical properties (such as structural, functional, and spatial information, amino acid conservation, physicochemical variation, residue mobility, and thermodynamic stability) performed at Invitae indicates that this missense variant is expected to disrupt YARS2 protein function. This variant has not been reported in the literature in individuals affected with YARS2-related conditions. This variant is present in population databases (no rsID available, gnomAD 0.0009%). This sequence change replaces phenylalanine, which is neutral and non-polar, with cysteine, which is neutral and slightly polar, at codon 48 of the YARS2 protein (p.Phe48Cys).